The following is an entry in ClinVar:

ClinVar aggregate classification (germline): Uncertain significance (1 of 4 stars; one submission).

Conditions:
Renal hypodysplasia/aplasia 1 (RHDA1). Also called: HEREDITARY RENAL APLASIA; RENAL APLASIA. Identifiers: Orphanet 411709, MedGen C1619700, MONDO:0024519, OMIM 191830.

gnomAD v4.1: 5 of 1,575,238 alleles (0.00032%); highest among the groups gnomAD compares: East Asian, 0.011%; no homozygotes.

Submission:

Juno Genomics, Hangzhou Juno Genomics, Inc
Classification: Uncertain significance for Renal hypodysplasia/aplasia 1. Review status: criteria provided, single submitter. Criteria: ACMG Guidelines, 2015. Collection method: clinical testing. Allele origin: germline.
Comment: Absent from controls (or at extremely low frequency if recessive) in Genome Aggregation Database.;Multiple lines of computational evidence support a deleterious effect on the gene or gene product.

NM_003638.3(ITGA8):c.2119-28C>G

Gene: ITGA8 (integrin subunit alpha 8; minus strand). Cytogenetic location: 10p13.
Variant type: single nucleotide variant.
Coding change: c.2119-28C>G on transcript NM_003638.3 (MANE Select); 28 bases into the intron before coding-DNA position 2119, C replaced by G.
Molecular consequence: intron variant.
Genome position (GRCh38, 1-based): chr10:15,597,327, G>C on the plus strand (C>G on the coding strand, the complement: ITGA8 is on the minus strand). VCF-style: chr10-15597327-G-C. GRCh37 (hg19) VCF-style: chr10-15639326-G-C.
Other names: c.2074-28C>G (NM_001291494.2).
Identifiers: ClinVar variation 5019308 (VCV005019308.2).